The following is an entry in ClinVar:

ClinVar aggregate classification (germline): Pathogenic (1 of 4 stars; one submission).

Submission:

Labcorp Genetics (formerly Invitae), Labcorp
Classification: Pathogenic. Last evaluated: 2023-05-22. Review status: criteria provided, single submitter. Criteria: Invitae Variant Classification Sherloc (09022015). Collection method: clinical testing. Allele origin: germline.
Comment: For these reasons, this variant has been classified as Pathogenic. This variant has not been reported in the literature in individuals affected with ABCC2-related conditions. This variant is not present in population databases (gnomAD no frequency). This sequence change creates a premature translational stop signal (p.Asp210*) in the ABCC2 gene. It is expected to result in an absent or disrupted protein product. Loss-of-function variants in ABCC2 are known to be pathogenic (PMID: 9185779, 16549534, 16952291).

Literature cited by the submitters: PubMed 9185779; PubMed 16549534; PubMed 16952291.

NM_000392.5(ABCC2):c.627dup (p.Asp210Ter)

Gene: ABCC2 (ATP binding cassette subfamily C member 2; plus strand). Cytogenetic location: 10q24.2.
Variant type: Duplication.
Coding change: c.627dup on transcript NM_000392.5 (MANE Select); coding-DNA position 627, one base duplicated (T; older notation c.627dupT).
Protein change: p.Asp210Ter; replaces aspartic acid 210 with a stop codon.
Molecular consequence: nonsense.
Genome position (GRCh38, 1-based): chr10:99,794,463, T duplicated. VCF-style (leftmost placement, unchanged base first): chr10-99794462-A-AT. GRCh37 (hg19) VCF-style: chr10-101554219-A-AT.
Other names: short protein forms D210*.
Identifiers: ClinVar variation 2867134 (VCV002867134.3), dbSNP rs2492846692, ClinGen allele CA2739270966.